The following is an entry in ClinVar:

NM_001376.5(DYNC1H1):c.6928G>A (p.Glu2310Lys)

Gene: DYNC1H1 (dynein cytoplasmic 1 heavy chain 1; plus strand). Cytogenetic location: 14q32.31.
Variant type: single nucleotide variant.
Coding change: c.6928G>A on transcript NM_001376.5 (MANE Select); coding-DNA position 6928, G replaced by A.
Protein change: p.Glu2310Lys; replaces glutamic acid 2310 with lysine.
Molecular consequence: missense variant.
Genome position (GRCh38, 1-based): chr14:102,012,384, G>A. VCF-style: chr14-102012384-G-A. GRCh37 (hg19) VCF-style: chr14-102478721-G-A.
Other names: short protein forms E2310K.
Identifiers: ClinVar variation 2838697 (VCV002838697.3), dbSNP rs2152579418, ClinGen allele CA391058831.

ClinVar aggregate classification (germline): Uncertain significance (1 of 4 stars; one submission).

Conditions:
Charcot-Marie-Tooth disease axonal type 2O. Also called: CHARCOT-MARIE-TOOTH NEUROPATHY, AXONAL, TYPE 2O; CHARCOT-MARIE-TOOTH DISEASE, AXONAL, AUTOSOMAL DOMINANT, TYPE 2O; Charcot-Marie-Tooth Neuropathy Type 2O; Charcot-Marie-Tooth disease, axonal, type 20. Identifiers: Orphanet 284232, MedGen C3280220, MONDO:0013644, OMIM 614228.

Submission:

Labcorp Genetics (formerly Invitae), Labcorp
Classification: Uncertain significance for Charcot-Marie-Tooth disease axonal type 2O. Last evaluated: 2023-02-18. Review status: criteria provided, single submitter. Criteria: Invitae Variant Classification Sherloc (09022015). Collection method: clinical testing. Allele origin: germline.
Comment: This sequence change replaces glutamic acid, which is acidic and polar, with lysine, which is basic and polar, at codon 2310 of the DYNC1H1 protein (p.Glu2310Lys). This variant is not present in population databases (gnomAD no frequency). This variant has not been reported in the literature in individuals affected with DYNC1H1-related conditions. Advanced modeling of protein sequence and biophysical properties (such as structural, functional, and spatial information, amino acid conservation, physicochemical variation, residue mobility, and thermodynamic stability) performed at Invitae indicates that this missense variant is expected to disrupt DYNC1H1 protein function. In summary, the available evidence is currently insufficient to determine the role of this variant in disease. Therefore, it has been classified as a Variant of Uncertain Significance.